The following is an entry in ClinVar:

NM_004407.4(DMP1):c.985G>A (p.Glu329Lys)

Genes: DMP1 (dentin matrix acidic phosphoprotein 1; plus strand), DMP1-AS1 (DMP1 and DSPP antisense RNA 1; minus strand). Cytogenetic location: 4q22.1.
Variant type: single nucleotide variant.
Coding change: c.985G>A on transcript NM_004407.4 (MANE Select); coding-DNA position 985, G replaced by A.
Protein change: p.Glu329Lys; replaces glutamic acid 329 with lysine.
Molecular consequence: missense variant.
Genome position (GRCh38, 1-based): chr4:87,662,763, G>A. VCF-style: chr4-87662763-G-A. GRCh37 (hg19) VCF-style: chr4-88583915-G-A.
Other names: c.937G>A, p.Glu313Lys (NM_001079911.3); short protein forms E329K, E313K.
Identifiers: ClinVar variation 2830198 (VCV002830198.3), dbSNP rs2475945037, ClinGen allele CA357700202.
Genomic context (GRCh38, chr4:87,662,763, plus strand): 5'-CCCAGGAGAGACAGCAAGGGTGACTCTCAAGAAGACAGCAAGGAGAATCTGTCCCAGGAA[G>A]AGAGCCAAAACGTAGATGGTCCCAGCAGTGAGTCCAGCCAAGAGGCCAACCTGTCATCTC-3'
Protein context (NP_004398.1, residues 319-339): EDSKENLSQE[Glu329Lys]SQNVDGPSSE

ClinVar aggregate classification (germline): Uncertain significance (1 of 4 stars; one submission).

Allele frequency attached by ClinVar (database versions not stated): gnomAD exomes below 0.00001.
gnomAD v4.1: 1 of 1,613,858 alleles (0.000062%); highest among the groups gnomAD compares: Non-Finnish European, 0.000085%; no homozygotes.

Submission:

Labcorp Genetics (formerly Invitae), Labcorp
Classification: Uncertain significance. Last evaluated: 2023-01-19. Review status: criteria provided, single submitter. Criteria: Invitae Variant Classification Sherloc (09022015). Collection method: clinical testing. Allele origin: germline.
Comment: This sequence change replaces glutamic acid, which is acidic and polar, with lysine, which is basic and polar, at codon 329 of the DMP1 protein (p.Glu329Lys). This variant is not present in population databases (gnomAD no frequency). In summary, the available evidence is currently insufficient to determine the role of this variant in disease. Therefore, it has been classified as a Variant of Uncertain Significance. Advanced modeling of protein sequence and biophysical properties (such as structural, functional, and spatial information, amino acid conservation, physicochemical variation, residue mobility, and thermodynamic stability) performed at Invitae indicates that this missense variant is not expected to disrupt DMP1 protein function. This variant has not been reported in the literature in individuals affected with DMP1-related conditions.